The following is an entry in ClinVar:

NM_004562.3(PRKN):c.141G>T (p.Gly47=)

Gene: PRKN (parkin RBR E3 ubiquitin protein ligase; minus strand). Cytogenetic location: 6q26.
Variant type: single nucleotide variant.
Coding change: c.141G>T on transcript NM_004562.3 (MANE Select); coding-DNA position 141, G replaced by T.
Protein change: p.Gly47=; no amino-acid change (glycine 47 retained).
Molecular consequence: synonymous variant.
Genome position (GRCh38, 1-based): chr6:162,443,340, C>A on the plus strand (G>T on the coding strand, the complement: PRKN is on the minus strand). VCF-style: chr6-162443340-C-A. GRCh37 (hg19) VCF-style: chr6-162864372-C-A.
Other names: c.141G>T, p.Gly47= (NM_013987.3, NM_013988.3).
Identifiers: ClinVar variation 2118719 (VCV002118719.4), dbSNP rs2547060233, ClinGen allele CA453189936.

ClinVar aggregate classification (germline): Uncertain significance (1 of 4 stars; one submission).

Submission:

Labcorp Genetics (formerly Invitae), Labcorp
Classification: Uncertain significance. Last evaluated: 2022-03-28. Review status: criteria provided, single submitter. Criteria: Invitae Variant Classification Sherloc (09022015). Collection method: clinical testing. Allele origin: germline.
Comment: In summary, the available evidence is currently insufficient to determine the role of this variant in disease. Therefore, it has been classified as a Variant of Uncertain Significance. Algorithms developed to predict the effect of sequence changes on RNA splicing suggest that this variant may disrupt the consensus splice site. This variant has not been reported in the literature in individuals affected with PRKN-related conditions. This variant is not present in population databases (gnomAD no frequency). This sequence change affects codon 47 of the PRKN mRNA. It is a 'silent' change, meaning that it does not change the encoded amino acid sequence of the PRKN protein.